The following is an entry in ClinVar:

ClinVar aggregate classification (germline): Uncertain significance (1 of 4 stars; one submission).

Submission:

GeneDx
Classification: Uncertain significance. Last evaluated: 2020-08-12. Review status: criteria provided, single submitter. Criteria: GeneDx Variant Classification Process June 2021. Collection method: clinical testing. Allele origin: germline. Affected: yes.
Comment: Not observed in large population cohorts (Lek et al., 2016); In silico analysis supports that this missense variant has a deleterious effect on protein structure/function; Has not been previously published as pathogenic or benign to our knowledge

NM_003491.4(NAA10):c.11G>T (p.Arg4Leu)

Genes: NAA10 (N-alpha-acetyltransferase 10, NatA catalytic subunit; minus strand), LOC130068840 (ATAC-STARR-seq lymphoblastoid silent region 21075; plus strand). Cytogenetic location: Xq28.
Variant type: single nucleotide variant.
Coding change: c.11G>T on transcript NM_003491.4 (MANE Select); coding-DNA position 11, G replaced by T.
Protein change: p.Arg4Leu; replaces arginine 4 with leucine.
Molecular consequence: missense variant.
Genome position (GRCh38, 1-based): chrX:153,934,894, C>A on the plus strand (G>T on the coding strand, the complement: NAA10 is on the minus strand). VCF-style: chrX-153934894-C-A. GRCh37 (hg19) VCF-style: chrX-153200347-C-A.
Other names: c.11G>T, p.Arg4Leu (NM_001256119.2, NM_001256120.2); short protein forms R4L.
Identifiers: ClinVar variation 423288 (VCV000423288.3), dbSNP rs1064796346, ClinGen allele CA16621239.